The following is an entry in ClinVar:

NM_005585.5(SMAD6):c.1351G>A (p.Glu451Lys)

Gene: SMAD6 (SMAD family member 6; plus strand). Cytogenetic location: 15q22.31.
Variant type: single nucleotide variant.
Coding change: c.1351G>A on transcript NM_005585.5 (MANE Select); coding-DNA position 1351, G replaced by A.
Protein change: p.Glu451Lys; replaces glutamic acid 451 with lysine.
Molecular consequence: missense variant. On other transcripts: non-coding transcript variant (1).
Genome position (GRCh38, 1-based): chr15:66,781,395, G>A. VCF-style: chr15-66781395-G-A. GRCh37 (hg19) VCF-style: chr15-67073733-G-A.
Other names: short protein forms E451K.
Identifiers: ClinVar variation 3704463 (VCV003704463.2).

ClinVar aggregate classification (germline): Uncertain significance (1 of 4 stars; one submission).

Conditions:
Aortic valve disease 2 (AOVD2). Identifiers: MedGen C3542024, MONDO:0013902, OMIM 614823.

gnomAD v4.1: 11 of 1,602,272 alleles (0.00069%); highest among the groups gnomAD compares: South Asian, 0.0022%; no homozygotes.

Submission:

Labcorp Genetics (formerly Invitae), Labcorp
Classification: Uncertain significance for Aortic valve disease 2. Last evaluated: 2024-06-28. Review status: criteria provided, single submitter. Criteria: Invitae Variant Classification Sherloc (09022015). Collection method: clinical testing. Allele origin: germline.
Comment: This sequence change replaces glutamic acid, which is acidic and polar, with lysine, which is basic and polar, at codon 451 of the SMAD6 protein (p.Glu451Lys). This variant is not present in population databases (gnomAD no frequency). This variant has not been reported in the literature in individuals affected with SMAD6-related conditions. Advanced modeling of protein sequence and biophysical properties (such as structural, functional, and spatial information, amino acid conservation, physicochemical variation, residue mobility, and thermodynamic stability) performed at Invitae indicates that this missense variant is not expected to disrupt SMAD6 protein function with a negative predictive value of 80%. In summary, the available evidence is currently insufficient to determine the role of this variant in disease. Therefore, it has been classified as a Variant of Uncertain Significance.